The following is an entry in ClinVar:

ClinVar aggregate classification (germline): Pathogenic/Likely pathogenic. Review status: criteria provided, multiple submitters, no conflicts (2 of 4 stars). 6 submissions from 6 submitters: Pathogenic (3); Likely pathogenic (3). Last evaluated 2025-10-01.

Conditions:
PYGM-related disorder. Also called: PYGM-related condition.
Glycogen storage disease, type V (GSD5). Also called: MUSCLE GLYCOGEN PHOSPHORYLASE DEFICIENCY; MYOPHOSPHORYLASE DEFICIENCY; PYGM DEFICIENCY; McArdle type glycogen storage disease; MCARDLE DISEASE. Identifiers: Orphanet 368, MedGen C0017924, MONDO:0009293, OMIM 232600.

Allele frequency attached by ClinVar (database versions not stated): ExAC below 0.00001; gnomAD exomes 0.00001.
gnomAD v4.1: 18 of 1,571,894 alleles (0.0011%); highest among the groups gnomAD compares: Non-Finnish European, 0.0014%; no homozygotes.

Submissions (6):

Myriad Genetics, Inc.
Classification: Likely pathogenic for Glycogen storage disease, type V. Last evaluated: 2025-10-01. Review status: criteria provided, single submitter. Criteria: Myriad Autosomal Dominant, Autosomal Recessive and X-Linked Classification Criteria (2023). Collection method: clinical testing. Allele origin: unknown.
Comment: NM_005609.2(PYGM):c.1239+1G>A is a variant in a canonical splice site classified as likely pathogenic in the context of glycogen storage disease, PYGM-related. c.1239+1G>A has been observed in a case with relevant disease (PMID: 32075227). Relevant functional assessments of this variant are not available in the literature. c.1239+1G>A has been observed in referenced population frequency databases. In summary, NM_005609.2(PYGM):c.1239+1G>A is a variant in a canonical splice site that has been observed more frequently in cases with the relevant disease than in healthy populations. Please note: this variant was assessed in the context of healthy population screening.

Labcorp Genetics (formerly Invitae), Labcorp
Classification: Pathogenic for Glycogen storage disease, type V. Last evaluated: 2025-08-18. Review status: criteria provided, single submitter. Criteria: Invitae Variant Classification Sherloc (09022015). Collection method: clinical testing. Allele origin: germline.
Comment: This sequence change affects a donor splice site in intron 10 of the PYGM gene. It is expected to disrupt RNA splicing. Variants that disrupt the donor or acceptor splice site typically lead to a loss of protein function (PMID: 16199547), and loss-of-function variants in PYGM are known to be pathogenic (PMID: 8316268, 16786513). The frequency data for this variant in the population databases is considered unreliable, as metrics indicate poor data quality at this position in the gnomAD database. Disruption of this splice site has been observed in individual(s) with glycogen storage disease type V also known as McArdle disease (PMID: 16786513, 19472443). ClinVar contains an entry for this variant (Variation ID: 569514). Algorithms developed to predict the effect of sequence changes on RNA splicing suggest that this variant may disrupt the consensus splice site. For these reasons, this variant has been classified as Pathogenic.

Natera, Inc.
Classification: Pathogenic for Glycogen storage disease V. Last evaluated: 2025-02-27. Review status: criteria provided, single submitter. Criteria: Natera Variant Classification Schema (03/2026). Collection method: clinical testing. Allele origin: germline.
Comment: The c.1239+1G>A variant in PYGM is a canonical splice donor site variant predicted to affect pre-mRNA splicing, which may result in an abnormal transcript and altered protein product. This variant is expected to result in nonsense mediated decay, truncation, or a dysfunctional protein product. This variant is rare in the general population with a frequency below the threshold expected for the associated phenotype(s). This variant has been observed in one or more individuals affected with the associated recessive disease, as either homozygous or compound heterozygous with a second variant (PMID: 17404776, 33072517, 34534370). Additionally, this variant has been observed to segregate in affected family members (PMID: 17404776). Given the available evidence, this variant is classified as Pathogenic.

Fulgent Genetics
Classification: Likely pathogenic for Glycogen storage disease, type V. Last evaluated: 2023-12-26. Review status: criteria provided, single submitter. Criteria: ACMG Guidelines, 2015. Collection method: clinical testing. Allele origin: germline.

Baylor Genetics
Classification: Pathogenic for Glycogen storage disease, type V. Last evaluated: 2023-07-08. Review status: criteria provided, single submitter. Criteria: ACMG Guidelines, 2015. Collection method: clinical testing. Allele origin: unknown.

Blueprint Genetics
Classification: Likely pathogenic for PYGM-related disorders. Last evaluated: 2020-04-01. Review status: criteria provided, single submitter. Criteria: ACMG Guidelines, 2015. Collection method: clinical testing. Allele origin: germline. Affected: yes. Observed: 1 variant allele.

Literature cited by the submitters: PubMed 32075227 (cited by Myriad Genetics, Inc.); PubMed 16199547 (cited by Labcorp Genetics (formerly Invitae), Labcorp); PubMed 8316268 (cited by Labcorp Genetics (formerly Invitae), Labcorp); PubMed 16786513 (cited by Labcorp Genetics (formerly Invitae), Labcorp); PubMed 19472443 (cited by Labcorp Genetics (formerly Invitae), Labcorp); PubMed 17404776 (cited by Natera, Inc.); PubMed 33072517 (cited by Natera, Inc.); PubMed 34534370 (cited by Natera, Inc.).

NM_005609.4(PYGM):c.1239+1G>A

Gene: PYGM (glycogen phosphorylase, muscle associated; minus strand). Cytogenetic location: 11q13.1.
Variant type: single nucleotide variant.
Coding change: c.1239+1G>A on transcript NM_005609.4 (MANE Select); the canonical splice donor site of the intron after coding-DNA position 1239, G replaced by A.
Molecular consequence: splice donor variant.
Genome position (GRCh38, 1-based): chr11:64,753,878, C>T on the plus strand (G>A on the coding strand, the complement: PYGM is on the minus strand). VCF-style: chr11-64753878-C-T. GRCh37 (hg19) VCF-style: chr11-64521350-C-T.
Other names: c.975+1G>A (NM_001164716.1).
Identifiers: ClinVar variation 569514 (VCV000569514.19), dbSNP rs759657964, ClinGen allele CA6079962.